The following is an entry in ClinVar:

NM_005562.3(LAMC2):c.1584_1585del (p.Gly529fs)

Gene: LAMC2 (laminin subunit gamma 2; plus strand). Cytogenetic location: 1q25.3.
Variant type: Deletion.
Coding change: c.1584_1585del on transcript NM_005562.3 (MANE Select); coding-DNA positions 1584 to 1585, 2 bases deleted (TG; older notation c.1584_1585delTG).
Protein change: p.Gly529fs; shifts the reading frame from glycine 529.
Molecular consequence: frameshift variant.
Genome position (GRCh38, 1-based): chr1:183,228,489-183,228,490, TG deleted. VCF-style (leftmost placement, unchanged base first): chr1-183228488-CTG-C. GRCh37 (hg19) VCF-style: chr1-183197623-CTG-C.
Other names: c.1584_1585del, p.Gly529fs (NM_018891.3); short protein forms G529fs.
Identifiers: ClinVar variation 2863399 (VCV002863399.3), dbSNP rs2526069963, ClinGen allele CA2739275459.

ClinVar aggregate classification (germline): Pathogenic (1 of 4 stars; one submission).

Submission:

Labcorp Genetics (formerly Invitae), Labcorp
Classification: Pathogenic. Last evaluated: 2023-05-11. Review status: criteria provided, single submitter. Criteria: Invitae Variant Classification Sherloc (09022015). Collection method: clinical testing. Allele origin: germline.
Comment: For these reasons, this variant has been classified as Pathogenic. This variant has not been reported in the literature in individuals affected with LAMC2-related conditions. This variant is not present in population databases (gnomAD no frequency). This sequence change creates a premature translational stop signal (p.Gly529Glufs*3) in the LAMC2 gene. It is expected to result in an absent or disrupted protein product. Loss-of-function variants in LAMC2 are known to be pathogenic (PMID: 11907499, 16473856).

Literature cited by the submitters: PubMed 11907499; PubMed 16473856.